The following is an entry in ClinVar:

NM_001130987.2(DYSF):c.4865A>G (p.Tyr1622Cys)

Gene: DYSF (dysferlin; plus strand). Cytogenetic location: 2p13.2.
Variant type: single nucleotide variant.
Coding change: c.4865A>G on transcript NM_001130987.2 (MANE Select); coding-DNA position 4865, A replaced by G.
Protein change: p.Tyr1622Cys; replaces tyrosine 1622 with cysteine.
Molecular consequence: missense variant.
Genome position (GRCh38, 1-based): chr2:71,658,987, A>G. VCF-style: chr2-71658987-A-G. GRCh37 (hg19) VCF-style: chr2-71886117-A-G.
Other names: c.4751A>G, p.Tyr1584Cys (NM_001130455.2); c.4706A>G, p.Tyr1569Cys (NM_001130976.2); c.4769A>G, p.Tyr1590Cys (NM_001130977.2); c.4811A>G, p.Tyr1604Cys (NM_001130978.2); c.4841A>G, p.Tyr1614Cys (NM_001130979.2); c.4799A>G, p.Tyr1600Cys (NM_001130980.2); c.4862A>G, p.Tyr1621Cys (NM_001130981.2); c.4844A>G, p.Tyr1615Cys (NM_001130982.2); and 5 more; short protein forms Y1583C, Y1622C, Y1590C, Y1605C, Y1614C, Y1591C, Y1600C, Y1604C.
Identifiers: ClinVar variation 210900 (VCV000210900.10), dbSNP rs797045541, ClinGen allele CA208466.

ClinVar aggregate classification (germline): Uncertain significance. Review status: criteria provided, multiple submitters, no conflicts (2 of 4 stars). 3 submissions from 3 submitters: Uncertain significance (2). 1 of the submissions does not count toward it. Last evaluated 2023-09-27.

Conditions:
Autosomal recessive limb-girdle muscular dystrophy type 2B (LGMDR2). Also called: MUSCULAR DYSTROPHY, LIMB-GIRDLE, TYPE 3; MUSCULAR DYSTROPHY, LIMB-GIRDLE, AUTOSOMAL RECESSIVE 2; Limb-girdle muscular dystrophy, type 2B; Limb-Girdle Muscular Dystrophy Type 2B (LGMD2B). Identifiers: Orphanet 268, MedGen C1850889, MONDO:0009676, OMIM 253601.
Neuromuscular disease caused by qualitative or quantitative defects of dysferlin. Also called: Dysferlinopathy; Qualitative or quantitative defects of dysferlin. Identifiers: Orphanet 207073, MedGen C2931687, MONDO:0016145.

Submissions (3):

Labcorp Genetics (formerly Invitae), Labcorp
Classification: Uncertain significance for Neuromuscular disease caused by qualitative or quantitative defects of dysferlin. Last evaluated: 2023-09-27. Review status: criteria provided, single submitter. Criteria: Invitae Variant Classification Sherloc (09022015). Collection method: clinical testing. Allele origin: germline.
Comment: This sequence change replaces tyrosine, which is neutral and polar, with cysteine, which is neutral and slightly polar, at codon 1583 of the DYSF protein (p.Tyr1583Cys). This variant is not present in population databases (gnomAD no frequency). This variant has not been reported in the literature in individuals affected with DYSF-related conditions. ClinVar contains an entry for this variant (Variation ID: 210900). Advanced modeling of protein sequence and biophysical properties (such as structural, functional, and spatial information, amino acid conservation, physicochemical variation, residue mobility, and thermodynamic stability) performed at Invitae indicates that this missense variant is expected to disrupt DYSF protein function. In summary, the available evidence is currently insufficient to determine the role of this variant in disease. Therefore, it has been classified as a Variant of Uncertain Significance.

Genetic Services Laboratory, University of Chicago
Classification: Uncertain significance. Last evaluated: 2014-10-02. Review status: criteria provided, single submitter. Criteria: ACMG Guidelines, 2015. Collection method: clinical testing. Allele origin: germline.

Natera, Inc.
Classification: Uncertain significance for Limb-girdle muscular dystrophy type 2B. Last evaluated: 2025-05-23. Review status: no assertion criteria provided. Collection method: clinical testing. Allele origin: germline. Not counted in ClinVar's aggregate classification.